The following is an entry in ClinVar:

NM_006755.2(TALDO1):c.802_803delinsAA (p.Ala268Asn)

Gene: TALDO1 (transaldolase 1; plus strand). Cytogenetic location: 11p15.5.
Variant type: Indel.
Coding change: c.802_803delinsAA on transcript NM_006755.2 (MANE Select); coding-DNA positions 802 to 803, GC replaced by AA.
Protein change: p.Ala268Asn; replaces alanine 268 with asparagine.
Molecular consequence: missense variant.
Genome position (GRCh38, 1-based): chr11:763,911-763,912, GC replaced by AA. VCF-style: chr11-763911-GC-AA. GRCh37 (hg19) VCF-style: chr11-763911-GC-AA.
Other names: p.Ala268Asn; c.802_803delinsAA (NM_006755.1); short protein forms A268N.
Identifiers: ClinVar variation 2427964 (VCV002427964.5), dbSNP rs2494719850, ClinGen allele CA2580083873.

ClinVar aggregate classification (germline): Uncertain significance. Review status: criteria provided, multiple submitters, no conflicts (2 of 4 stars). 3 submissions from 3 submitters: Uncertain significance (3). Last evaluated 2026-05-10.

Conditions:
TALDO1-related disorder. Also called: TALDO1-related condition.

Submissions (3):

PreventionGenetics, part of Exact Sciences
Classification: Uncertain significance for TALDO1-related condition. Last evaluated: 2026-05-10. Review status: criteria provided, single submitter. Criteria: ACMG Guidelines, 2015. Collection method: clinical testing. Allele origin: germline.
Comment: The TALDO1 c.802_803delinsAA variant is predicted to result in an in-frame deletion and insertion. To our knowledge, this variant has not been reported in the literature or in a large population database, indicating this variant is rare. At this time, the clinical significance of this variant is uncertain due to the absence of conclusive functional and genetic evidence.

Mayo Clinic Laboratories, Mayo Clinic
Classification: Uncertain significance. Last evaluated: 2023-03-06. Review status: criteria provided, single submitter. Criteria: ACMG Guidelines, 2015. Collection method: clinical testing. Allele origin: germline. Observed: 1 variant allele.
Comment: BP4, PM2

Labcorp Genetics (formerly Invitae), Labcorp
Classification: Uncertain significance. Last evaluated: 2022-06-19. Review status: criteria provided, single submitter. Criteria: Invitae Variant Classification Sherloc (09022015). Collection method: clinical testing. Allele origin: germline.
Comment: This sequence change replaces alanine, which is neutral and non-polar, with asparagine, which is neutral and polar, at codon 268 of the TALDO1 protein (p.Ala268Asn). This variant is present in population databases (no rsID available, gnomAD 0.6%). This variant has not been reported in the literature in individuals affected with TALDO1-related conditions. Algorithms developed to predict the effect of missense changes on protein structure and function are either unavailable or do not agree on the potential impact of this missense change (SIFT: "Not Available"; PolyPhen-2: "Benign"; Align-GVGD: "Not Available"). In summary, the available evidence is currently insufficient to determine the role of this variant in disease. Therefore, it has been classified as a Variant of Uncertain Significance.